The following is an entry in ClinVar:

NM_022042.4(SLC26A1):c.873G>A (p.Pro291=)

Genes: IDUA (alpha-L-iduronidase; plus strand), SLC26A1 (solute carrier family 26 member 1; minus strand). Cytogenetic location: 4p16.3.
Variant type: single nucleotide variant.
Coding change: c.873G>A on transcript NM_022042.4 (MANE Select); coding-DNA position 873, G replaced by A.
Protein change: p.Pro291=; no amino-acid change (proline 291 retained).
Molecular consequence: synonymous variant. On other transcripts: intron variant (2).
Genome position (GRCh38, 1-based): chr4:990,066, C>T on the plus strand (G>A on the coding strand, the complement: SLC26A1 is on the minus strand). VCF-style: chr4-990066-C-T. GRCh37 (hg19) VCF-style: chr4-983854-C-T.
Other names: c.873G>A, p.Pro291= (NM_213613.4); c.576+1062G>A (NM_134425.4); c.299+2117C>T (NM_000203.5).
Identifiers: ClinVar variation 2889544 (VCV002889544.5), dbSNP rs182088046, ClinGen allele CA2801519.

ClinVar aggregate classification (germline): Likely benign. Review status: criteria provided, single submitter (1 of 4 stars). 2 submissions from 2 submitters: Likely benign (1). 1 of the submissions does not count toward it. Last evaluated 2024-01-31.

Conditions:
SLC26A1-related disorder. Also called: SLC26A1-related condition.

Allele frequency attached by ClinVar (database versions not stated): ExAC 0.00010; TOPMed 0.00011; gnomAD 0.00017; 1000 Genomes Project 0.00040; 1000 Genomes Project 30x 0.00047.
gnomAD v4.1: 113 of 1,601,362 alleles (0.0071%); highest among the groups gnomAD compares: Middle Eastern, 0.083%; 1 homozygote.

Submissions (2):

Labcorp Genetics (formerly Invitae), Labcorp
Classification: Likely benign. Last evaluated: 2024-01-31. Review status: criteria provided, single submitter. Criteria: Invitae Variant Classification Sherloc (09022015). Collection method: clinical testing. Allele origin: germline.

PreventionGenetics, part of Exact Sciences
Classification: Likely benign for SLC26A1-related condition. Last evaluated: 2019-04-09. Review status: no assertion criteria provided. Collection method: clinical testing. Allele origin: germline. Not counted in ClinVar's aggregate classification.
Comment: This variant is classified as likely benign based on ACMG/AMP sequence variant interpretation guidelines (Richards et al. 2015 PMID: 25741868, with internal and published modifications).